The following is an entry in ClinVar:

NM_001122955.4(BSCL2):c.620C>G (p.Ser207Cys)

Genes: BSCL2 (BSCL2 lipid droplet biogenesis associated, seipin; minus strand), HNRNPUL2-BSCL2 (HNRNPUL2-BSCL2 readthrough (NMD candidate); minus strand). Cytogenetic location: 11q12.3.
Variant type: single nucleotide variant.
Coding change: c.620C>G on transcript NM_001122955.4 (MANE Select); coding-DNA position 620, C replaced by G.
Protein change: p.Ser207Cys; replaces serine 207 with cysteine.
Molecular consequence: missense variant. On other transcripts: non-coding transcript variant (1).
Genome position (GRCh38, 1-based): chr11:62,694,578, G>C on the plus strand (C>G on the coding strand, the complement: BSCL2 is on the minus strand). VCF-style: chr11-62694578-G-C. GRCh37 (hg19) VCF-style: chr11-62462050-G-C.
Other names: p.Ser143Cys; c.428C>G, p.Ser143Cys (NM_001130702.2, NM_032667.6); c.620C>G, p.Ser207Cys (NM_001386027.1, NM_001386028.1); c.620C>G (NM_001122955.3); short protein forms S143C, S207C.
Identifiers: ClinVar variation 1487540 (VCV001487540.9), dbSNP rs746973203, ClinGen allele CA6053521.

ClinVar aggregate classification (germline): Uncertain significance. Review status: criteria provided, multiple submitters, no conflicts (2 of 4 stars). 4 submissions from 4 submitters: Uncertain significance (4). Last evaluated 2026-02-18.

Conditions:
Charcot-Marie-Tooth disease type 2. Also called: Charcot-Marie-Tooth type 2. Identifiers: Orphanet 64746, MedGen C0270914, MONDO:0018993.
BSCL2-related disorder. Also called: BSCL2-related condition; BSCL2-Related Disorders.
Inborn genetic diseases. Identifiers: MedGen C0950123, MeSH D030342.

Allele frequency attached by ClinVar (database versions not stated): ExAC 0.00002; gnomAD exomes 0.00002 and 0.00003; TOPMed 0.00002; gnomAD 0.00003 and 0.00004.
gnomAD v4.1: 55 of 1,613,934 alleles (0.0034%); highest among the groups gnomAD compares: Non-Finnish European, 0.0044%; no homozygotes.

Submissions (4):

PreventionGenetics, part of Exact Sciences
Classification: Uncertain significance for BSCL2-related condition. Last evaluated: 2026-02-18. Review status: criteria provided, single submitter. Criteria: ACMG Guidelines, 2015. Collection method: clinical testing. Allele origin: germline.
Comment: The BSCL2 c.620C>G variant is predicted to result in the amino acid substitution p.Ser207Cys. To our knowledge, this variant has not been reported in the literature. This variant is reported in 0.0039% of alleles in individuals of European (non-Finnish) descent in gnomAD. At this time, the clinical significance of this variant is uncertain due to the absence of conclusive functional and genetic evidence.

Mayo Clinic Laboratories, Mayo Clinic
Classification: Uncertain significance. Last evaluated: 2025-02-26. Review status: criteria provided, single submitter. Criteria: ACMG Guidelines, 2015. Collection method: clinical testing. Allele origin: germline. Observed: 1 variant allele.
Comment: PM2_supporting

Labcorp Genetics (formerly Invitae), Labcorp
Classification: Uncertain significance for Charcot-Marie-Tooth disease type 2. Last evaluated: 2024-07-23. Review status: criteria provided, single submitter. Criteria: Invitae Variant Classification Sherloc (09022015). Collection method: clinical testing. Allele origin: germline.
Comment: This sequence change replaces serine, which is neutral and polar, with cysteine, which is neutral and slightly polar, at codon 143 of the BSCL2 protein (p.Ser143Cys). This variant is present in population databases (rs746973203, gnomAD 0.004%). This variant has not been reported in the literature in individuals affected with BSCL2-related conditions. ClinVar contains an entry for this variant (Variation ID: 1487540). Advanced modeling of protein sequence and biophysical properties (such as structural, functional, and spatial information, amino acid conservation, physicochemical variation, residue mobility, and thermodynamic stability) performed at Invitae indicates that this missense variant is expected to disrupt BSCL2 protein function with a positive predictive value of 80%. In summary, the available evidence is currently insufficient to determine the role of this variant in disease. Therefore, it has been classified as a Variant of Uncertain Significance.

Ambry Genetics
Classification: Uncertain significance for Inborn genetic diseases. Last evaluated: 2022-12-19. Review status: criteria provided, single submitter. Criteria: Ambry Variant Classification Scheme 2023. Collection method: clinical testing. Allele origin: germline.